The following is an entry in ClinVar:

NM_006663.4(PPP1R13L):c.1537del (p.Val513fs)

Gene: PPP1R13L (protein phosphatase 1 regulatory subunit 13 like; minus strand). Cytogenetic location: 19q13.32.
Variant type: Deletion.
Coding change: c.1537del on transcript NM_006663.4 (MANE Select); coding-DNA position 1537, one base deleted (G; older notation c.1537delG).
Protein change: p.Val513fs; shifts the reading frame from valine 513.
Molecular consequence: frameshift variant.
Genome position (GRCh38, 1-based): chr19:45,392,158, C deleted on the plus strand (G on the coding strand, the reverse complement: PPP1R13L is on the minus strand); the first of 3 consecutive C bases (chr19:45,392,158-45,392,160); deleting any one gives the same sequence. VCF-style (leftmost placement, unchanged base first): chr19-45392157-AC-A. GRCh37 (hg19) VCF-style: chr19-45895415-AC-A.
Other names: c.1537del, p.Val513fs (NM_001142502.2); short protein forms V513fs.
Identifiers: ClinVar variation 974807 (VCV000974807.1), dbSNP rs34338233, ClinGen allele CA9514337.

ClinVar aggregate classification (germline): Likely pathogenic (1 of 4 stars; one submission).

Conditions:
Primary dilated cardiomyopathy (DCM). Also called: Dilated Cardiomyopathy. Identifiers: Orphanet 217604, MedGen C0007193, MeSH D002311, MONDO:0005021, HP:0001644. Inheritance: Various modes of inheritance.

Submission:

Exeter Genomics Laboratory, Royal Devon University Healthcare NHS Foundation Trust
Classification: Likely pathogenic for Primary dilated cardiomyopathy. Last evaluated: 2020-06-10. Review status: criteria provided, single submitter. Criteria: ACMG Guidelines, 2015. Collection method: clinical testing. Allele origin: germline. Affected: yes.
Comment: This variant, NM_001142502.1:c.1537del, was found in compound heterozygosity with the likely pathogenic variant NM_001142502.1:c.1219C>T.